The following is an entry in ClinVar:

NM_003896.4(ST3GAL5):c.1165C>G (p.His389Asp)

Gene: ST3GAL5 (ST3 beta-galactoside alpha-2,3-sialyltransferase 5; minus strand). Cytogenetic location: 2p11.2.
Variant type: single nucleotide variant.
Coding change: c.1165C>G on transcript NM_003896.4 (MANE Select); coding-DNA position 1165, C replaced by G.
Protein change: p.His389Asp; replaces histidine 389 with aspartic acid.
Molecular consequence: missense variant.
Genome position (GRCh38, 1-based): chr2:85,840,236, G>C on the plus strand (C>G on the coding strand, the complement: ST3GAL5 is on the minus strand). VCF-style: chr2-85840236-G-C. GRCh37 (hg19) VCF-style: chr2-86067359-G-C.
Other names: c.1096C>G, p.His366Asp (NM_001042437.2); c.781C>G, p.His261Asp (NM_001354223.2, NM_001354224.2, NM_001354226.2 and 3 more transcripts); c.1081C>G, p.His361Asp (NM_001354227.2, NM_001354229.2, NM_001354238.1); c.442C>G, p.His148Asp (NM_001354247.1); c.1006C>G, p.His336Asp (NM_001363847.1); short protein forms H148D, H261D, H336D, H361D, H366D, H389D.
Identifiers: ClinVar variation 1018176 (VCV001018176.11), dbSNP rs140151286, ClinGen allele CA1744875.

ClinVar aggregate classification (germline): Conflicting classifications of pathogenicity. Review status: criteria provided, conflicting classifications (1 of 4 stars). 3 submissions from 3 submitters: Likely pathogenic (1); Uncertain significance (2). Last evaluated 2025-09-18.

Conditions:
GM3 synthase deficiency (SPDRS). Also called: SALT AND PEPPER DEVELOPMENTAL REGRESSION SYNDROME; AMISH INFANTILE EPILEPSY SYNDROME; SALT AND PEPPER MENTAL RETARDATION SYNDROME. Identifiers: Orphanet 171714, Orphanet 370933, MedGen C1836824, MONDO:0018274, OMIM 609056.

Allele frequency attached by ClinVar (database versions not stated): gnomAD exomes below 0.00001; gnomAD 0.00001; ExAC 0.00002; TOPMed 0.00005; ESP Exome Variant Server 0.00015.
gnomAD v4.1: 3 of 1,614,046 alleles (0.00019%); highest among the groups gnomAD compares: African/African-American, 0.004%; no homozygotes.

Submissions (3):

GeneDx
Classification: Likely pathogenic. Last evaluated: 2025-09-18. Review status: criteria provided, single submitter. Criteria: GeneDx Variant Classification Process June 2021. Collection method: clinical testing. Allele origin: germline. Affected: yes.
Comment: Observed with a second ST3GAL5 variant on the opposite allele (in trans) in patients with features consistent with ST3GAL5-related GM3 synthase deficiency referred for genetic testing at GeneDx and in the published literature (PMID: 36873089); Not observed at significant frequency in large population cohorts (gnomAD); In silico analysis supports that this missense variant has a deleterious effect on protein structure/function; This variant is associated with the following publications: (PMID: 36873089)

Labcorp Genetics (formerly Invitae), Labcorp
Classification: Uncertain significance for GM3 synthase deficiency. Last evaluated: 2022-03-23. Review status: criteria provided, single submitter. Criteria: Invitae Variant Classification Sherloc (09022015). Collection method: clinical testing. Allele origin: germline.
Comment: This sequence change replaces histidine, which is basic and polar, with aspartic acid, which is acidic and polar, at codon 389 of the ST3GAL5 protein (p.His389Asp). This variant is present in population databases (rs140151286, gnomAD 0.007%). This variant has not been reported in the literature in individuals affected with ST3GAL5-related conditions. ClinVar contains an entry for this variant (Variation ID: 1018176). Algorithms developed to predict the effect of missense changes on protein structure and function (SIFT, PolyPhen-2, Align-GVGD) all suggest that this variant is likely to be disruptive. In summary, the available evidence is currently insufficient to determine the role of this variant in disease. Therefore, it has been classified as a Variant of Uncertain Significance.

Baylor Genetics
Classification: Uncertain significance for GM3 synthase deficiency. Last evaluated: 2020-02-27. Review status: criteria provided, single submitter. Criteria: ACMG Guidelines, 2015. Collection method: clinical testing. Allele origin: unknown. Affected: yes.
Comment: This variant was determined to be of uncertain significance according to ACMG Guidelines, 2015 [PMID:25741868].